The following is an entry in ClinVar:

ClinVar aggregate classification (germline): Uncertain significance (1 of 4 stars; one submission).

gnomAD v4.1: 1 of 1,602,282 alleles (0.000062%); highest among the groups gnomAD compares: Non-Finnish European, 0.000085%; no homozygotes.

Submission:

Labcorp Genetics (formerly Invitae), Labcorp
Classification: Uncertain significance. Last evaluated: 2025-05-08. Review status: criteria provided, single submitter. Criteria: Invitae Variant Classification Sherloc (09022015). Collection method: clinical testing. Allele origin: germline.
Comment: This sequence change replaces tyrosine, which is neutral and polar, with cysteine, which is neutral and slightly polar, at codon 735 of the ERBB2 protein (p.Tyr735Cys). This variant is not present in population databases (gnomAD no frequency). This variant has not been reported in the literature in individuals affected with ERBB2-related conditions. Invitae Evidence Modeling of protein sequence and biophysical properties (such as structural, functional, and spatial information, amino acid conservation, physicochemical variation, residue mobility, and thermodynamic stability) indicates that this missense variant is not expected to disrupt ERBB2 protein function with a negative predictive value of 80%. In summary, the available evidence is currently insufficient to determine the role of this variant in disease. Therefore, it has been classified as a Variant of Uncertain Significance.

NM_004448.4(ERBB2):c.2204A>G (p.Tyr735Cys)

Gene: ERBB2 (erb-b2 receptor tyrosine kinase 2; plus strand). Cytogenetic location: 17q12.
Variant type: single nucleotide variant.
Coding change: c.2204A>G on transcript NM_004448.4 (MANE Select); coding-DNA position 2204, A replaced by G.
Protein change: p.Tyr735Cys; replaces tyrosine 735 with cysteine.
Molecular consequence: missense variant. On other transcripts: non-coding transcript variant (1), intron variant (5).
Genome position (GRCh38, 1-based): chr17:39,723,656, A>G. VCF-style: chr17-39723656-A-G. GRCh37 (hg19) VCF-style: chr17-37879909-A-G.
Other names: c.2201A>G, p.Tyr734Cys (NM_001382790.1); c.2195A>G, p.Tyr732Cys (NM_001382791.1); c.2162A>G, p.Tyr721Cys (NM_001382794.1); c.2156A>G, p.Tyr719Cys (NM_001382795.1, NM_001382801.1); c.2204A>G, p.Tyr735Cys (NM_001382796.1, NM_001382797.1, NM_001382798.1 and 3 more transcripts); c.2024A>G, p.Tyr675Cys (NM_001382799.1); c.2114A>G, p.Tyr705Cys (NM_001005862.3, NM_001382782.1, NM_001382783.1); c.2159A>G, p.Tyr720Cys (NM_001289936.2); and 11 more; short protein forms Y675C, Y745C, Y760C, Y769C, Y774C, Y459C, Y720C, Y721C.
Identifiers: ClinVar variation 4763859 (VCV004763859.1).
Genomic context (GRCh38, chr17:39,723,656, plus strand): 5'-TGAAAGAGACGGAGCTGAGGAAGGTGAAGGTGCTTGGATCTGGCGCTTTTGGCACAGTCT[A>G]CAAGGTCAGGGCCAGGTCCTGGGGTGGGCGGCCCCAGAGGATGGGGGCGGTGCCTGGAGG-3'
Protein context (NP_004439.2, residues 725-745): VLGSGAFGTV[Tyr735Cys]KGIWIPDGEN